The following is an entry in ClinVar:

NM_004211.5(SLC6A5):c.536C>T (p.Thr179Ile)

Gene: SLC6A5 (solute carrier family 6 member 5; plus strand). Cytogenetic location: 11p15.1.
Variant type: single nucleotide variant.
Coding change: c.536C>T on transcript NM_004211.5 (MANE Select); coding-DNA position 536, C replaced by T.
Protein change: p.Thr179Ile; replaces threonine 179 with isoleucine.
Molecular consequence: missense variant. On other transcripts: 5 prime UTR variant (1).
Genome position (GRCh38, 1-based): chr11:20,601,661, C>T. VCF-style: chr11-20601661-C-T. GRCh37 (hg19) VCF-style: chr11-20623207-C-T.
Other names: c.-28C>T (NM_001318369.2); short protein forms T179I.
Identifiers: ClinVar variation 2093808 (VCV002093808.4), dbSNP rs2494094067, ClinGen allele CA379912516.
Genomic context (GRCh38, chr11:20,601,661, plus strand): 5'-TGGTGCTGGCCACGGATGGAATCACGTCCGTGCTCCCGGGCAGCGTGGCCACCGTTGCCA[C>T]CCAGGTAAGCAGGTTGCATTACGGCCCGCACAGTGTCCTGCTCTCCAGCTGCGCGAGAGA-3'
Protein context (NP_004202.4, residues 169-189): VLPGSVATVA[Thr179Ile]QEDEQGDENK

ClinVar aggregate classification (germline): Uncertain significance (1 of 4 stars; one submission).

Conditions:
Hyperekplexia 3 (HKPX3). Also called: HYPEREKPLEXIA 3, AUTOSOMAL RECESSIVE; HYPEREKPLEXIA 3, AUTOSOMAL DOMINANT. Identifiers: Orphanet 3197, MedGen C3553288, MONDO:0013827, OMIM 614618.

Submission:

Labcorp Genetics (formerly Invitae), Labcorp
Classification: Uncertain significance for Hyperekplexia 3. Last evaluated: 2022-02-08. Review status: criteria provided, single submitter. Criteria: Invitae Variant Classification Sherloc (09022015). Collection method: clinical testing. Allele origin: germline.
Comment: Advanced modeling of protein sequence and biophysical properties (such as structural, functional, and spatial information, amino acid conservation, physicochemical variation, residue mobility, and thermodynamic stability) performed at Invitae indicates that this missense variant is not expected to disrupt SLC6A5 protein function. In summary, the available evidence is currently insufficient to determine the role of this variant in disease. Therefore, it has been classified as a Variant of Uncertain Significance. This variant has not been reported in the literature in individuals affected with SLC6A5-related conditions. This sequence change replaces threonine, which is neutral and polar, with isoleucine, which is neutral and non-polar, at codon 179 of the SLC6A5 protein (p.Thr179Ile). This variant is not present in population databases (gnomAD no frequency).